The following is an entry in ClinVar:

ClinVar aggregate classification (germline): Uncertain significance. Review status: criteria provided, multiple submitters, no conflicts (2 of 4 stars). 2 submissions from 2 submitters: Uncertain significance (2). Last evaluated 2025-10-16.

Conditions:
Zellweger spectrum disorders (ZS). Also called: Zellweger syndrome; Zellweger Spectrum Disorder (ZSD); Zellweger Spectrum Disorder; Zellweger Spectrum. Identifiers: Orphanet 912, MedGen C0043459, MONDO:0019609.

Allele frequency attached by ClinVar (database versions not stated): TOPMed below 0.00001; gnomAD exomes below 0.00001.
gnomAD v4.1: 2 of 1,609,540 alleles (0.00012%); highest among the groups gnomAD compares: Non-Finnish European, 0.00017%; no homozygotes.

Submissions (2):

Dasa
Classification: Uncertain significance. Last evaluated: 2025-10-16. Review status: criteria provided, single submitter. Criteria: DASA Assertion Criteria. Collection method: clinical testing. Allele origin: germline.
Comment: NM_000466.3(PEX1):c.1600C>G (p.Pro534Ala) is a missense variant that results in the substitution of proline with alanine. This variant is rare in population databases. Computational prediction algorithms are consistent with a deleterious effect. The currently available literature and clinical evidence are not sufficient to establish a definitive association between this variant and the reported condition. Therefore, this variant is classified as a variant of uncertain significance.

Labcorp Genetics (formerly Invitae), Labcorp
Classification: Uncertain significance for Zellweger spectrum disorders. Last evaluated: 2021-11-05. Review status: criteria provided, single submitter. Criteria: Invitae Variant Classification Sherloc (09022015). Collection method: clinical testing. Allele origin: germline.
Comment: This sequence change replaces proline, which is neutral and non-polar, with alanine, which is neutral and non-polar, at codon 534 of the PEX1 protein (p.Pro534Ala). This variant is present in population databases (no rsID available, gnomAD 0.0009%). This variant has not been reported in the literature in individuals affected with PEX1-related conditions. Algorithms developed to predict the effect of missense changes on protein structure and function (SIFT, PolyPhen-2, Align-GVGD) all suggest that this variant is likely to be tolerated. In summary, the available evidence is currently insufficient to determine the role of this variant in disease. Therefore, it has been classified as a Variant of Uncertain Significance.

NM_000466.3(PEX1):c.1600C>G (p.Pro534Ala)

Gene: PEX1 (peroxisomal biogenesis factor 1; minus strand). Cytogenetic location: 7q21.2.
Variant type: single nucleotide variant.
Coding change: c.1600C>G on transcript NM_000466.3 (MANE Select); coding-DNA position 1600, C replaced by G.
Protein change: p.Pro534Ala; replaces proline 534 with alanine.
Molecular consequence: missense variant.
Genome position (GRCh38, 1-based): chr7:92,509,399, G>C on the plus strand (C>G on the coding strand, the complement: PEX1 is on the minus strand). VCF-style: chr7-92509399-G-C. GRCh37 (hg19) VCF-style: chr7-92138713-G-C.
Other names: c.1600C>G, p.Pro534Ala (NM_001282677.2); c.976C>G, p.Pro326Ala (NM_001282678.2); short protein forms P326A, P534A.
Identifiers: ClinVar variation 1486111 (VCV001486111.5), dbSNP rs1419015282, ClinGen allele CA368188443.
Genomic context (GRCh38, chr7:92,509,399, plus strand): 5'-TCAGCTTTAAAAAAGGAAGAATAAAGTCAATTTCCTCACTGTTTTCTTCTTTTACCATAG[G>C]ATCTAGAAGGACCTACAGTTGCAAGGAAAAATCAGTTTTACATTTCAAAGTATGTCTTTT-3'
Protein context (NP_000457.1, residues 524-544): QKTTIQVLLD[Pro534Ala]MVKEENSEEI